The following is an entry in ClinVar:

NM_177438.3(DICER1):c.350C>T (p.Ser117Leu)

Gene: DICER1 (dicer 1, ribonuclease III; minus strand). Cytogenetic location: 14q32.13.
Variant type: single nucleotide variant.
Coding change: c.350C>T on transcript NM_177438.3 (MANE Select); coding-DNA position 350, C replaced by T.
Protein change: p.Ser117Leu; replaces serine 117 with leucine.
Molecular consequence: missense variant. On other transcripts: 5 prime UTR variant (2), non-coding transcript variant (5), intron variant (6).
Genome position (GRCh38, 1-based): chr14:95,131,597, G>A on the plus strand (C>T on the coding strand, the complement: DICER1 is on the minus strand). VCF-style: chr14-95131597-G-A. GRCh37 (hg19) VCF-style: chr14-95597934-G-A.
Other names: c.350C>T, p.Ser117Leu (NM_001195573.1, NM_001271282.3, NM_001291628.2 and 15 more transcripts); c.68C>T, p.Ser23Leu (NM_001395686.1); c.-109C>T (NM_001395691.1); c.-1219C>T (NM_001395697.1); c.33+918C>T (NM_001395690.1, NM_001395687.1, NM_001395689.1 and 3 more transcripts); short protein forms S23L, S117L.
Identifiers: ClinVar variation 2586427 (VCV002586427.2), dbSNP rs2543342545, ClinGen allele CA390889254.

ClinVar aggregate classification (germline): Uncertain significance (1 of 4 stars; one submission).

Conditions:
Hereditary cancer-predisposing syndrome. Also called: Hereditary neoplastic syndrome; Tumor predisposition; Hereditary Cancer Syndrome; Neoplastic Syndromes, Hereditary. Identifiers: Orphanet 140162, MedGen C0027672, MeSH D009386, MONDO:0015356.

Submission:

Ambry Genetics
Classification: Uncertain significance for Hereditary cancer-predisposing syndrome. Last evaluated: 2023-09-08. Review status: criteria provided, single submitter. Criteria: Ambry Variant Classification Scheme 2023. Collection method: clinical testing. Allele origin: germline.
Comment: The p.S117L variant (also known as c.350C>T), located in coding exon 3 of the DICER1 gene, results from a C to T substitution at nucleotide position 350. The serine at codon 117 is replaced by leucine, an amino acid with dissimilar properties. This amino acid position is conserved. In addition, the in silico prediction for this alteration is inconclusive. Since supporting evidence is limited at this time, the clinical significance of this alteration remains unclear.